The following is an entry in ClinVar:

ClinVar aggregate classification (germline): Uncertain significance. Review status: criteria provided, multiple submitters, no conflicts (2 of 4 stars). 7 submissions from 7 submitters: Uncertain significance (7). Last evaluated 2024-12-10.

Conditions:
D-2-hydroxyglutaric aciduria 1 (D2HGA1). Identifiers: Orphanet 79315, MedGen C3152055, MONDO:0024554, OMIM 600721.
Inborn genetic diseases. Identifiers: MedGen C0950123, MeSH D030342.

Allele frequency attached by ClinVar (database versions not stated): gnomAD 0.00007; TOPMed 0.00009; gnomAD exomes 0.00010 and 0.00023; ExAC 0.00013; ESP Exome Variant Server 0.00015.

Submissions (7):

Ambry Genetics
Classification: Uncertain significance for Inborn genetic diseases. Last evaluated: 2024-12-10. Review status: criteria provided, single submitter. Criteria: Ambry Variant Classification Scheme 2023. Collection method: clinical testing. Allele origin: germline.

Blueprint Genetics
Classification: Uncertain significance. Last evaluated: 2024-09-25. Review status: criteria provided, single submitter. Criteria: ACMG Guidelines, 2015. Collection method: clinical testing. Allele origin: germline.

GeneDx
Classification: Uncertain significance. Last evaluated: 2023-03-20. Review status: criteria provided, single submitter. Criteria: GeneDx Variant Classification Process June 2021. Collection method: clinical testing. Allele origin: germline. Affected: yes.
Comment: In silico analysis supports that this missense variant has a deleterious effect on protein structure/function; Has not been previously published as pathogenic or benign to our knowledge

Labcorp Genetics (formerly Invitae), Labcorp
Classification: Uncertain significance for D-2-hydroxyglutaric aciduria 1. Last evaluated: 2022-06-20. Review status: criteria provided, single submitter. Criteria: Invitae Variant Classification Sherloc (09022015). Collection method: clinical testing. Allele origin: germline.
Comment: This sequence change replaces tyrosine, which is neutral and polar, with cysteine, which is neutral and slightly polar, at codon 400 of the D2HGDH protein (p.Tyr400Cys). This variant is present in population databases (rs138598929, gnomAD 0.02%). This variant has not been reported in the literature in individuals affected with D2HGDH-related conditions. ClinVar contains an entry for this variant (Variation ID: 335318). Algorithms developed to predict the effect of missense changes on protein structure and function (SIFT, PolyPhen-2, Align-GVGD) all suggest that this variant is likely to be disruptive. In summary, the available evidence is currently insufficient to determine the role of this variant in disease. Therefore, it has been classified as a Variant of Uncertain Significance.

Mayo Clinic Laboratories, Mayo Clinic
Classification: Uncertain significance. Last evaluated: 2020-10-22. Review status: criteria provided, single submitter. Criteria: ACMG Guidelines, 2015. Collection method: clinical testing. Allele origin: germline. Observed: 1 variant allele.

Department of Pathology and Laboratory Medicine, Sinai Health System
Classification: Uncertain significance for D-2-hydroxyglutaric aciduria 1. Last evaluated: 2020-05-04. Review status: criteria provided, single submitter. Criteria: ACMG Guidelines, 2015. Collection method: research. Allele origin: germline.

Illumina Laboratory Services, Illumina
Classification: Uncertain significance for D-2-hydroxyglutaric aciduria 1. Last evaluated: 2018-01-13. Review status: criteria provided, single submitter. Criteria: ICSL Variant Classification Criteria 13 December 2019. Collection method: clinical testing. Allele origin: germline.

NM_152783.5(D2HGDH):c.1199A>G (p.Tyr400Cys)

Gene: D2HGDH (D-2-hydroxyglutarate dehydrogenase; plus strand). Cytogenetic location: 2q37.3.
Variant type: single nucleotide variant.
Coding change: c.1199A>G on transcript NM_152783.5 (MANE Select); coding-DNA position 1199, A replaced by G.
Protein change: p.Tyr400Cys; replaces tyrosine 400 with cysteine.
Molecular consequence: missense variant. On other transcripts: non-coding transcript variant (1).
Genome position (GRCh38, 1-based): chr2:241,755,907, A>G. VCF-style: chr2-241755907-A-G. GRCh37 (hg19) VCF-style: chr2-242695322-A-G.
Other names: c.797A>G, p.Tyr266Cys (NM_001287249.2); c.638A>G, p.Tyr213Cys (NM_001352824.2); short protein forms Y400C, Y266C, Y213C.
Identifiers: ClinVar variation 335318 (VCV000335318.21), dbSNP rs138598929, ClinGen allele CA2222116.